The following is an entry in ClinVar:

ClinVar aggregate classification (germline): Conflicting classifications of pathogenicity. Review status: criteria provided, conflicting classifications (1 of 4 stars). 2 submissions from 2 submitters: Uncertain significance (1); Likely benign (1). Last evaluated 2025-11-18.

Conditions:
Hereditary cancer-predisposing syndrome. Also called: Tumor predisposition; Neoplastic Syndromes, Hereditary; Hereditary neoplastic syndrome; Hereditary Cancer Syndrome. Identifiers: Orphanet 140162, MedGen C0027672, MeSH D009386, MONDO:0015356.

Allele frequency attached by ClinVar (database versions not stated): gnomAD exomes 0.00001 and 0.00002; ExAC 0.00002.
gnomAD v4.1: 16 of 1,614,136 alleles (0.00099%); highest among the groups gnomAD compares: South Asian, 0.015%; no homozygotes.

Submissions (2):

Labcorp Genetics (formerly Invitae), Labcorp
Classification: Uncertain significance. Last evaluated: 2025-11-18. Review status: criteria provided, single submitter. Criteria: Invitae Variant Classification Sherloc (09022015). Collection method: clinical testing. Allele origin: germline.
Comment: This sequence change replaces glutamine, which is neutral and polar, with lysine, which is basic and polar, at codon 604 of the CTNNA1 protein (p.Gln604Lys). This variant is present in population databases (rs755724779, gnomAD 0.02%). This variant has not been reported in the literature in individuals affected with CTNNA1-related conditions. ClinVar contains an entry for this variant (Variation ID: 848214). Invitae Evidence Modeling of protein sequence and biophysical properties (such as structural, functional, and spatial information, amino acid conservation, physicochemical variation, residue mobility, and thermodynamic stability) indicates that this missense variant is not expected to disrupt CTNNA1 protein function with a negative predictive value of 80%. In summary, the available evidence is currently insufficient to determine the role of this variant in disease. Therefore, it has been classified as a Variant of Uncertain Significance.

Ambry Genetics
Classification: Likely benign for Hereditary cancer-predisposing syndrome. Last evaluated: 2023-03-17. Review status: criteria provided, single submitter. Criteria: Ambry Variant Classification Scheme 2023. Collection method: clinical testing. Allele origin: germline.

NM_001903.5(CTNNA1):c.1810C>A (p.Gln604Lys)

Gene: CTNNA1 (catenin alpha 1; plus strand). Cytogenetic location: 5q31.2.
Variant type: single nucleotide variant.
Coding change: c.1810C>A on transcript NM_001903.5 (MANE Select); coding-DNA position 1810, C replaced by A.
Protein change: p.Gln604Lys; replaces glutamine 604 with lysine.
Molecular consequence: missense variant.
Genome position (GRCh38, 1-based): chr5:138,925,318, C>A. VCF-style: chr5-138925318-C-A. GRCh37 (hg19) VCF-style: chr5-138261007-C-A.
Other names: c.1810C>A, p.Gln604Lys (NM_001290307.3, NM_001323982.2, NM_001323983.1 and 2 more transcripts); c.1501C>A, p.Gln501Lys (NM_001290309.3); c.1441C>A, p.Gln481Lys (NM_001290310.3); c.700C>A, p.Gln234Lys (NM_001290312.1, NM_001323987.1, NM_001323988.1 and 17 more transcripts); c.1717C>A, p.Gln573Lys (NM_001323986.2); c.361C>A, p.Gln121Lys (NM_001324006.1, NM_001324007.1, NM_001324008.1 and 2 more transcripts); c.607C>A, p.Gln203Lys (NM_001324011.1); c.457C>A, p.Gln153Lys (NM_001324012.1, NM_001324013.1); short protein forms Q203K, Q501K, Q153K, Q234K, Q121K, Q481K, Q573K, Q604K.
Identifiers: ClinVar variation 848214 (VCV000848214.10), dbSNP rs755724779, ClinGen allele CA3432040.